The following is an entry in ClinVar:

ClinVar aggregate classification (germline): Uncertain significance (1 of 4 stars; one submission).

Allele frequency attached by ClinVar (database versions not stated): gnomAD exomes below 0.00001.
gnomAD v4.1: 2 of 1,614,238 alleles (0.00012%); highest among the groups gnomAD compares: Non-Finnish European, 0.00017%; no homozygotes.

Submission:

Labcorp Genetics (formerly Invitae), Labcorp
Classification: Uncertain significance. Last evaluated: 2021-08-04. Review status: criteria provided, single submitter. Criteria: Invitae Variant Classification Sherloc (09022015). Collection method: clinical testing. Allele origin: germline.
Comment: In summary, the available evidence is currently insufficient to determine the role of this variant in disease. Therefore, it has been classified as a Variant of Uncertain Significance. This sequence change replaces lysine with glutamic acid at codon 498 of the BEST1 protein (p.Lys498Glu). The lysine residue is weakly conserved and there is a small physicochemical difference between lysine and glutamic acid. This variant is not present in population databases (ExAC no frequency). This variant has not been reported in the literature in individuals with BEST1-related conditions. Advanced modeling of protein sequence and biophysical properties (such as structural, functional, and spatial information, amino acid conservation, physicochemical variation, residue mobility, and thermodynamic stability) performed at Invitae indicates that this missense variant is not expected to disrupt BEST1 protein function.

NM_004183.4(BEST1):c.1492A>G (p.Lys498Glu)

Gene: BEST1 (bestrophin 1; plus strand). Cytogenetic location: 11q12.3.
Variant type: single nucleotide variant.
Coding change: c.1492A>G on transcript NM_004183.4 (MANE Select); coding-DNA position 1492, A replaced by G.
Protein change: p.Lys498Glu; replaces lysine 498 with glutamic acid.
Molecular consequence: missense variant. On other transcripts: non-coding transcript variant (1).
Genome position (GRCh38, 1-based): chr11:61,962,646, A>G. VCF-style: chr11-61962646-A-G. GRCh37 (hg19) VCF-style: chr11-61730118-A-G.
Other names: c.1312A>G, p.Lys438Glu (NM_001139443.3, NM_001300787.2); c.1231A>G, p.Lys411Glu (NM_001300786.2); c.1174A>G, p.Lys392Glu (NM_001363591.3); c.*387A>G (NM_001363592.2); c.520A>G, p.Lys174Glu (NM_001363593.3); short protein forms K438E, K174E, K411E, K498E, K392E.
Identifiers: ClinVar variation 1484012 (VCV001484012.8), dbSNP rs1565043094, ClinGen allele CA380849193.